The following is an entry in ClinVar:

ClinVar aggregate classification (germline): Uncertain significance. Review status: criteria provided, multiple submitters, no conflicts (2 of 4 stars). 2 submissions from 2 submitters: Uncertain significance (2). Last evaluated 2025-11-12.

Conditions:
Inborn genetic diseases. Identifiers: MedGen C0950123, MeSH D030342.

Allele frequency attached by ClinVar (database versions not stated): gnomAD exomes below 0.00001; gnomAD 0.00001; TOPMed 0.00001.
gnomAD v4.1: 5 of 1,613,704 alleles (0.00031%); highest among the groups gnomAD compares: Non-Finnish European, 0.00034%; no homozygotes.

Submissions (2):

Ambry Genetics
Classification: Uncertain significance for Inborn genetic diseases. Last evaluated: 2025-11-12. Review status: criteria provided, single submitter. Criteria: Ambry Variant Classification Scheme 2023. Collection method: clinical testing. Allele origin: germline.

Labcorp Genetics (formerly Invitae), Labcorp
Classification: Uncertain significance. Last evaluated: 2022-10-21. Review status: criteria provided, single submitter. Criteria: Invitae Variant Classification Sherloc (09022015). Collection method: clinical testing. Allele origin: germline.
Comment: In summary, the available evidence is currently insufficient to determine the role of this variant in disease. Therefore, it has been classified as a Variant of Uncertain Significance. Algorithms developed to predict the effect of missense changes on protein structure and function are either unavailable or do not agree on the potential impact of this missense change (SIFT: "Deleterious"; PolyPhen-2: "Possibly Damaging"; Align-GVGD: "Class C15"). This variant has not been reported in the literature in individuals affected with AP3D1-related conditions. This variant is not present in population databases (gnomAD no frequency). This sequence change replaces valine, which is neutral and non-polar, with methionine, which is neutral and non-polar, at codon 521 of the AP3D1 protein (p.Val521Met).

NM_001261826.3(AP3D1):c.1561G>A (p.Val521Met)

Gene: AP3D1 (adaptor related protein complex 3 subunit delta 1; minus strand). Cytogenetic location: 19p13.3.
Variant type: single nucleotide variant.
Coding change: c.1561G>A on transcript NM_001261826.3 (MANE Select); coding-DNA position 1561, G replaced by A.
Protein change: p.Val521Met; replaces valine 521 with methionine.
Molecular consequence: missense variant.
Genome position (GRCh38, 1-based): chr19:2,118,753, C>T on the plus strand (G>A on the coding strand, the complement: AP3D1 is on the minus strand). VCF-style: chr19-2118753-C-T. GRCh37 (hg19) VCF-style: chr19-2118752-C-T.
Other names: c.1561G>A, p.Val521Met (NM_001374799.1, NM_003938.8); c.1561G>A (NM_003938.5); short protein forms V521M.
Identifiers: ClinVar variation 2088329 (VCV002088329.5), dbSNP rs762813236, ClinGen allele CA304159134.